The following is an entry in ClinVar:

ClinVar aggregate classification (germline): Benign (1 of 4 stars; one submission).

Conditions:
Hereditary diffuse gastric adenocarcinoma (HDGC). Also called: DIFFUSE GASTRIC AND LOBULAR BREAST CANCER SYNDROME. Identifiers: Orphanet 26106, MedGen C1708349, MONDO:0007648, OMIM 137215.

Submission:

Myriad Genetics, Inc.
Classification: Benign for Hereditary diffuse gastric adenocarcinoma. Last evaluated: 2024-09-13. Review status: criteria provided, single submitter. Criteria: Myriad Autosomal Dominant, Autosomal Recessive and X-Linked Classification Criteria (2023). Collection method: clinical testing. Allele origin: unknown.
Comment: This variant is considered benign. This variant is a silent/synonymous amino acid change and it is not expected to impact splicing.

NM_004360.5(CDH1):c.507C>T (p.Gly169=)

Gene: CDH1 (cadherin 1; plus strand). Cytogenetic location: 16q22.1.
Variant type: single nucleotide variant.
Coding change: c.507C>T on transcript NM_004360.5 (MANE Select); coding-DNA position 507, C replaced by T.
Protein change: p.Gly169=; no amino-acid change (glycine 169 retained).
Molecular consequence: synonymous variant. On other transcripts: 5 prime UTR variant (2).
Genome position (GRCh38, 1-based): chr16:68,808,543, C>T. VCF-style: chr16-68808543-C-T. GRCh37 (hg19) VCF-style: chr16-68842446-C-T.
Other names: c.507C>T, p.Gly169= (NM_001317184.2); c.-1109C>T (NM_001317185.2); c.-1313C>T (NM_001317186.2).
Identifiers: ClinVar variation 3378760 (VCV003378760.1).